The following is an entry in ClinVar:

ClinVar aggregate classification (germline): Uncertain significance (1 of 4 stars; one submission).

Conditions:
Dilated cardiomyopathy 1D. Identifiers: Orphanet 154, Orphanet 54260, MedGen C1832243, MONDO:0011095, OMIM 601494.
Hypertrophic cardiomyopathy 2. Also called: TNNT2-Related Familial Hypertrophic Cardiomyopathy. Identifiers: MedGen C1861864, MONDO:0007266, OMIM 115195.
Cardiomyopathy, familial restrictive, 3. Identifiers: Orphanet 75249, MedGen C2676271, MONDO:0012900, OMIM 612422.

Submission:

Labcorp Genetics (formerly Invitae), Labcorp
Classification: Uncertain significance for Cardiomyopathy, familial restrictive, 3; Hypertrophic cardiomyopathy 2; Dilated cardiomyopathy 1D. Last evaluated: 2024-02-15. Review status: criteria provided, single submitter. Criteria: Invitae Variant Classification Sherloc (09022015). Collection method: clinical testing. Allele origin: germline.
Comment: This sequence change replaces arginine, which is basic and polar, with threonine, which is neutral and polar, at codon 165 of the TNNT2 protein (p.Arg165Thr). This variant is not present in population databases (gnomAD no frequency). This variant has not been reported in the literature in individuals affected with TNNT2-related conditions. Advanced modeling of protein sequence and biophysical properties (such as structural, functional, and spatial information, amino acid conservation, physicochemical variation, residue mobility, and thermodynamic stability) performed at Invitae indicates that this missense variant is expected to disrupt TNNT2 protein function with a positive predictive value of 95%. In summary, the available evidence is currently insufficient to determine the role of this variant in disease. Therefore, it has been classified as a Variant of Uncertain Significance.

NM_001276345.2(TNNT2):c.524G>C (p.Arg175Thr)

Gene: TNNT2 (troponin T2, cardiac type; minus strand). Cytogenetic location: 1q32.1.
Variant type: single nucleotide variant.
Coding change: c.524G>C on transcript NM_001276345.2 (MANE Select); coding-DNA position 524, G replaced by C.
Protein change: p.Arg175Thr; replaces arginine 175 with threonine.
Molecular consequence: missense variant.
Genome position (GRCh38, 1-based): chr1:201,363,372, C>G on the plus strand (G>C on the coding strand, the complement: TNNT2 is on the minus strand). VCF-style: chr1-201363372-C-G. GRCh37 (hg19) VCF-style: chr1-201332500-C-G.
Other names: c.524G>C, p.Arg175Thr (NM_000364.4, NM_001406723.1); c.494G>C, p.Arg165Thr (NM_001001430.3, NM_001001431.3, NM_001276347.2 and 3 more transcripts); c.479G>C, p.Arg160Thr (NM_001001432.3, NM_001406728.1); c.404G>C, p.Arg135Thr (NM_001276346.2); c.491G>C, p.Arg164Thr (NM_001406725.1); short protein forms R135T, R160T, R164T, R165T, R175T.
Identifiers: ClinVar variation 3753580 (VCV003753580.2).